The following is an entry in ClinVar:

ClinVar aggregate classification (germline): Benign (1 of 4 stars; one submission).

Allele frequency attached by ClinVar (database versions not stated): 1000 Genomes Project 0.06190; 1000 Genomes Project 30x 0.06277.
gnomAD v4.1: 15,644 of 151,944 alleles (10%); highest among the groups gnomAD compares: Non-Finnish European, 14%; 895 homozygotes.

Submission:

GeneDx
Classification: Benign. Last evaluated: 2018-06-18. Review status: criteria provided, single submitter. Criteria: GeneDx Variant Classification (06012015). Collection method: clinical testing. Allele origin: germline. Affected: yes.
Comment: This variant is considered likely benign or benign based on one or more of the following criteria: it is a conservative change, it occurs at a poorly conserved position in the protein, it is predicted to be benign by multiple in silico algorithms, and/or has population frequency not consistent with disease.

NM_033337.3(CAV3):c.115-315G>T

Genes: CAV3 (caveolin 3; plus strand), OXTR (oxytocin receptor; minus strand). Cytogenetic location: 3p25.3.
Variant type: single nucleotide variant.
Coding change: c.115-315G>T on transcript NM_033337.3 (MANE Select); 315 bases into the intron before coding-DNA position 115, G replaced by T.
Molecular consequence: intron variant.
Genome position (GRCh38, 1-based): chr3:8,745,211, G>T. VCF-style: chr3-8745211-G-T. GRCh37 (hg19) VCF-style: chr3-8786897-G-T.
Other names: c.115-315G>T (NM_001234.5).
Identifiers: ClinVar variation 668825 (VCV000668825.1), dbSNP rs6788694, ClinGen allele CA11436261.